The following is an entry in ClinVar:

NM_033380.3(COL4A5):c.2750G>A (p.Gly917Asp)

Gene: COL4A5 (collagen type IV alpha 5 chain; plus strand). Cytogenetic location: Xq22.3.
Variant type: single nucleotide variant.
Coding change: c.2750G>A on transcript NM_033380.3 (MANE Select); coding-DNA position 2750, G replaced by A.
Protein change: p.Gly917Asp; replaces glycine 917 with aspartic acid.
Molecular consequence: missense variant.
Genome position (GRCh38, 1-based): chrX:108,621,875, G>A. VCF-style: chrX-108621875-G-A. GRCh37 (hg19) VCF-style: chrX-107865105-G-A.
Other names: c.2750G>A, p.Gly917Asp (NM_000495.5); short protein forms G917D.
Identifiers: ClinVar variation 2107712 (VCV002107712.4), dbSNP rs2524404043, ClinGen allele CA413852235.

ClinVar aggregate classification (germline): Likely pathogenic (1 of 4 stars; one submission).

gnomAD v4.1: 1 of 1,203,582 alleles (0.000083%); no homozygotes.

Submission:

Labcorp Genetics (formerly Invitae), Labcorp
Classification: Likely pathogenic. Last evaluated: 2022-03-08. Review status: criteria provided, single submitter. Criteria: Invitae Variant Classification Sherloc (09022015). Collection method: clinical testing. Allele origin: germline.
Comment: This variant has not been reported in the literature in individuals affected with COL4A5-related conditions. In summary, the currently available evidence indicates that the variant is pathogenic, but additional data are needed to prove that conclusively. Therefore, this variant has been classified as Likely Pathogenic. This variant disrupts the triple helix domain of COL4A5. Glycine residues within the Gly-Xaa-Yaa repeats of the triple helix domain are required for the structure and stability of fibrillar collagens (PMID: 7695699, 8218237, 19344236). In COL4A5, missense variants at these glycine residues are significantly enriched in individuals with disease (PMID: 23720012, 27627812) compared to the general population (ExAC). Advanced modeling of protein sequence and biophysical properties (such as structural, functional, and spatial information, amino acid conservation, physicochemical variation, residue mobility, and thermodynamic stability) performed at Invitae indicates that this missense variant is expected to disrupt COL4A5 protein function. This variant is not present in population databases (gnomAD no frequency). This sequence change replaces glycine, which is neutral and non-polar, with aspartic acid, which is acidic and polar, at codon 917 of the COL4A5 protein (p.Gly917Asp).

Literature cited by the submitters: PubMed 7695699; PubMed 8218237; PubMed 19344236; PubMed 23720012; PubMed 27627812.